The following is an entry in ClinVar:

ClinVar aggregate classification (germline): Uncertain significance (1 of 4 stars; one submission).

Conditions:
Renal cell carcinoma. Identifiers: Orphanet 217071, MedGen C0007134, MeSH D002292, MONDO:0005086, HP:0005584.

Submission:

Labcorp Genetics (formerly Invitae), Labcorp
Classification: Uncertain significance for Renal cell carcinoma. Last evaluated: 2024-12-24. Review status: criteria provided, single submitter. Criteria: Invitae Variant Classification Sherloc (09022015). Collection method: clinical testing. Allele origin: germline.
Comment: This sequence change replaces glutamic acid, which is acidic and polar, with glycine, which is neutral and non-polar, at codon 312 of the MET protein (p.Glu312Gly). This variant is not present in population databases (gnomAD no frequency). This variant has not been reported in the literature in individuals affected with MET-related conditions. Invitae Evidence Modeling of protein sequence and biophysical properties (such as structural, functional, and spatial information, amino acid conservation, physicochemical variation, residue mobility, and thermodynamic stability) indicates that this missense variant is expected to disrupt MET protein function with a positive predictive value of 80%. In summary, the available evidence is currently insufficient to determine the role of this variant in disease. Therefore, it has been classified as a Variant of Uncertain Significance.

NM_000245.4(MET):c.935A>G (p.Glu312Gly)

Gene: MET (MET proto-oncogene, receptor tyrosine kinase; plus strand). Cytogenetic location: 7q31.2.
Variant type: single nucleotide variant.
Coding change: c.935A>G on transcript NM_000245.4 (MANE Select); coding-DNA position 935, A replaced by G.
Protein change: p.Glu312Gly; replaces glutamic acid 312 with glycine.
Molecular consequence: missense variant. On other transcripts: intron variant (1).
Genome position (GRCh38, 1-based): chr7:116,700,019, A>G. VCF-style: chr7-116700019-A-G. GRCh37 (hg19) VCF-style: chr7-116340073-A-G.
Other names: c.935A>G, p.Glu312Gly (NM_001127500.3, NM_001324401.3); c.-91+27442A>G (NM_001324402.2); short protein forms E312G.
Identifiers: ClinVar variation 3667360 (VCV003667360.2).